The following is an entry in ClinVar:

ClinVar aggregate classification (germline): Uncertain significance. Review status: criteria provided, multiple submitters, no conflicts (2 of 4 stars). 2 submissions from 2 submitters: Uncertain significance (2). Last evaluated 2025-09-12.

Conditions:
Hereditary cancer-predisposing syndrome. Also called: Hereditary Cancer Syndrome; Hereditary neoplastic syndrome; Tumor predisposition; Neoplastic Syndromes, Hereditary. Identifiers: Orphanet 140162, MedGen C0027672, MeSH D009386, MONDO:0015356.

Allele frequency attached by ClinVar (database versions not stated): gnomAD exomes below 0.00001.
gnomAD v4.1: 2 of 1,614,174 alleles (0.00012%); highest among the groups gnomAD compares: Non-Finnish European, 0.00017%; no homozygotes.

Submissions (2):

Quest Diagnostics Nichols Institute San Juan Capistrano
Classification: Uncertain significance. Last evaluated: 2025-09-12. Review status: criteria provided, single submitter. Criteria: Quest Diagnostics criteria. Collection method: clinical testing. Allele origin: unknown.
Comment: The MSH3 c.245A>T (p.Glu82Val) variant has not been reported in individuals with MSH3-related conditions in the published literature. This variant has not been reported in large, multi-ethnic general populations (Genome Aggregation Database). Analysis of this variant using bioinformatics tools for the prediction of the effect of amino acid changes on protein structure and function yielded predictions that this variant is benign. Based on the available information, we are unable to determine the clinical significance of this variant.

Ambry Genetics
Classification: Uncertain significance for Hereditary cancer-predisposing syndrome. Last evaluated: 2025-09-01. Review status: criteria provided, single submitter. Criteria: Ambry Variant Classification Scheme 2023. Collection method: clinical testing. Allele origin: germline.
Comment: The p.E82V variant (also known as c.245A>T), located in coding exon 2 of the MSH3 gene, results from an A to T substitution at nucleotide position 245. The glutamic acid at codon 82 is replaced by valine, an amino acid with dissimilar properties. This amino acid position is conserved. In addition, the in silico prediction for this alteration is inconclusive. Since supporting evidence is limited at this time, the clinical significance of this alteration remains unclear.

NM_002439.5(MSH3):c.245A>T (p.Glu82Val)

Gene: MSH3 (mutS homolog 3; plus strand). Cytogenetic location: 5q14.1.
Variant type: single nucleotide variant.
Coding change: c.245A>T on transcript NM_002439.5 (MANE Select); coding-DNA position 245, A replaced by T.
Protein change: p.Glu82Val; replaces glutamic acid 82 with valine.
Molecular consequence: missense variant.
Genome position (GRCh38, 1-based): chr5:80,656,418, A>T. VCF-style: chr5-80656418-A-T. GRCh37 (hg19) VCF-style: chr5-79952237-A-T.
Other names: c.245A>T (NM_002439.4); short protein forms E82V.
Identifiers: ClinVar variation 1791602 (VCV001791602.4), dbSNP rs2546712103, ClinGen allele CA360266114.